The following is an entry in ClinVar:

NM_000660.7(TGFB1):c.482A>G (p.Lys161Arg)

Gene: TGFB1 (transforming growth factor beta 1; minus strand). Cytogenetic location: 19q13.2.
Variant type: single nucleotide variant.
Coding change: c.482A>G on transcript NM_000660.7 (MANE Select); coding-DNA position 482, A replaced by G.
Protein change: p.Lys161Arg; replaces lysine 161 with arginine.
Molecular consequence: missense variant.
Genome position (GRCh38, 1-based): chr19:41,348,329, T>C on the plus strand (A>G on the coding strand, the complement: TGFB1 is on the minus strand). VCF-style: chr19-41348329-T-C. GRCh37 (hg19) VCF-style: chr19-41854234-T-C.
Other names: short protein forms K161R.
Identifiers: ClinVar variation 1491287 (VCV001491287.8), dbSNP rs1433256361, ClinGen allele CA406003574.

ClinVar aggregate classification (germline): Uncertain significance (1 of 4 stars; one submission).

Allele frequency attached by ClinVar (database versions not stated): gnomAD exomes below 0.00001.

Submission:

Labcorp Genetics (formerly Invitae), Labcorp
Classification: Uncertain significance. Last evaluated: 2023-01-16. Review status: criteria provided, single submitter. Criteria: Invitae Variant Classification Sherloc (09022015). Collection method: clinical testing. Allele origin: germline.
Comment: In summary, the available evidence is currently insufficient to determine the role of this variant in disease. Therefore, it has been classified as a Variant of Uncertain Significance. Advanced modeling of protein sequence and biophysical properties (such as structural, functional, and spatial information, amino acid conservation, physicochemical variation, residue mobility, and thermodynamic stability) performed at Invitae indicates that this missense variant is not expected to disrupt TGFB1 protein function. ClinVar contains an entry for this variant (Variation ID: 1491287). This variant has not been reported in the literature in individuals affected with TGFB1-related conditions. This variant is present in population databases (no rsID available, gnomAD 0.003%). This sequence change replaces lysine, which is basic and polar, with arginine, which is basic and polar, at codon 161 of the TGFB1 protein (p.Lys161Arg).